The following is an entry in ClinVar:

ClinVar aggregate classification (germline): Likely benign (1 of 4 stars; one submission).

Submission:

CeGaT Center for Human Genetics Tuebingen
Classification: Likely benign. Last evaluated: 2024-12-01. Review status: criteria provided, single submitter. Criteria: CeGaT Center For Human Genetics Tuebingen Variant Classification Criteria Version 2. Collection method: clinical testing. Allele origin: germline. Affected: yes. Observed: 1 variant allele.
Comment: HLA-DQB1: PM2:Supporting, BP4, BP7

NM_002123.5(HLA-DQB1):c.174T>G (p.Leu58=)

Gene: HLA-DQB1 (major histocompatibility complex, class II, DQ beta 1; minus strand). Cytogenetic location: 6p21.32.
Variant type: single nucleotide variant.
Coding change: c.174T>G on transcript NM_002123.5 (MANE Select); coding-DNA position 174, T replaced by G.
Protein change: p.Leu58=; no amino-acid change (leucine 58 retained).
Molecular consequence: synonymous variant.
Genome position (GRCh38, 1-based): chr6:32,665,003, A>C on the plus strand (T>G on the coding strand, the complement: HLA-DQB1 is on the minus strand). VCF-style: chr6-32665003-A-C. GRCh37 (hg19) VCF-style: chr6-32632780-A-C.
Other names: c.174T>G, p.Leu58= (NM_001243961.2).
Identifiers: ClinVar variation 3771217 (VCV003771217.13).